The following is an entry in ClinVar:

ClinVar aggregate classification (germline): Conflicting classifications of pathogenicity. Review status: criteria provided, conflicting classifications (1 of 4 stars). 9 submissions from 9 submitters: Uncertain significance (7); Likely benign (1). 1 of the submissions does not count toward it. Last evaluated 2025-11-25.

Conditions:
Fanconi anemia (FA). Also called: Fanconi's anemia. Identifiers: Orphanet 84, MedGen C0015625, MeSH D005199, MONDO:0019391.
Fanconi anemia complementation group A (FANCA). Also called: FANCA-Related Fanconi Anemia; Fanconi anemia, group A. Identifiers: Orphanet 84, MedGen C3469521, MONDO:0009215, OMIM 227650.

Allele frequency attached by ClinVar (database versions not stated): gnomAD 0.00011; TOPMed 0.00012; ESP Exome Variant Server 0.00015; ExAC 0.00018.
gnomAD v4.1: 153 of 1,614,110 alleles (0.0095%); highest among the groups gnomAD compares: Admixed American, 0.065%; no homozygotes.

Submissions (9):

Labcorp Genetics (formerly Invitae), Labcorp
Classification: Likely benign for Fanconi anemia. Last evaluated: 2025-11-25. Review status: criteria provided, single submitter. Criteria: Invitae Variant Classification Sherloc (09022015). Collection method: clinical testing. Allele origin: germline.

St. Jude Molecular Pathology, St. Jude Children's Research Hospital
Classification: Uncertain significance for Fanconi anemia complementation group A. Last evaluated: 2025-06-17. Review status: criteria provided, single submitter. Criteria: St. Jude Assertion Criteria 2020. Collection method: clinical testing. Allele origin: germline.
Comment: The FANCA c.3157C>T p.(Arg1053Cys) missense change has a maximum subpopulation frequency of 0.087% in gnomAD v2.1.1. The in silico tool REVEL is inconclusi ve about a pathogenic or benign effect of this variant on protein function, and to our knowledge functional studies have not been performed. To our knowledge, this variant has not been reported in individuals with Fanconi anemia. In summary, the evidence currently available is insufficient to determine the clinical significance of this variant. It has therefore been classified as of uncertain significance.

Quest Diagnostics Nichols Institute San Juan Capistrano
Classification: Uncertain significance. Last evaluated: 2024-07-03. Review status: criteria provided, single submitter. Criteria: Quest Diagnostics criteria. Collection method: clinical testing. Allele origin: unknown.
Comment: The FANCA c.3157C>T (p.Arg1053Cys) variant has been reported in the published literature in individuals affected with acute lymphoblastic leukemia (ALL) (PMID: 26580448 (2015)), head and neck squamous cell carcinoma (HNSCC) (PMID: 28678401 (2017)), and ovarian cancer (PMID: 32546565 (2021)). This variant has also been reported in reportedly healthy individuals (PMID: 32546565 (2021)). The frequency of this variant in the general population, 0.00087 (31/35434 chromosomes in Admixed American subpopulation (Genome Aggregation Database)), is higher than would generally be expected for pathogenic variants in this gene. Analysis of this variant using bioinformatics tools for the prediction of the effect of amino acid changes on protein structure and function yielded predictions that this variant is benign. Based on the available information, we are unable to determine the clinical significance of this variant.

Women's Health and Genetics/Laboratory Corporation of America, LabCorp
Classification: Uncertain significance. Last evaluated: 2024-06-03. Review status: criteria provided, single submitter. Criteria: LabCorp Variant Classification Summary - May 2015. Collection method: clinical testing. Allele origin: germline.
Comment: Variant summary: FANCA c.3157C>T (p.Arg1053Cys) results in a non-conservative amino acid change in the encoded protein sequence. Three of five in-silico tools predict a benign effect of the variant on protein function. The variant allele was found at a frequency of 0.00021 in 251440 control chromosomes (gnomAD). This frequency is not significantly higher than estimated for a pathogenic variant in FANCA causing Fanconi Anemia (0.00021 vs 0.0022), allowing no conclusion about variant significance. c.3157C>T has been reported in the literature in an individual affected with head and neck squamous cell carcinoma (Chandrasekharappa_2017). This report does not provide unequivocal conclusions about association of the variant with Fanconi Anemia. To our knowledge, no experimental evidence demonstrating an impact on protein function has been reported. The following publication has been ascertained in the context of this evaluation (PMID: 28678401). ClinVar contains an entry for this variant (Variation ID: 408205). Based on the evidence outlined above, the variant was classified as uncertain significance.

Fulgent Genetics
Classification: Uncertain significance for Fanconi anemia complementation group A. Last evaluated: 2024-02-17. Review status: criteria provided, single submitter. Criteria: ACMG Guidelines, 2015. Collection method: clinical testing. Allele origin: germline.

Center for Genomics, Ann and Robert H. Lurie Children's Hospital of Chicago
Classification: Uncertain significance for Fanconi anemia complementation group A. Last evaluated: 2021-04-02. Review status: criteria provided, single submitter. Criteria: ACMG Guidelines, 2015. Collection method: clinical testing. Allele origin: germline.
Comment: FANCA NM_000135.3 exon 32 p.Arg1053Cys (c.3157C>T): This variant has not been reported in the literature but is present in 0.02% (4/15274) of Latino alleles in the Genome Aggregation Database. This variant is present in ClinVar (Variation ID:408205). This variant amino acid Cysteine (Cys) is present in several species including multiple primates and other mammals and is not well conserved among evolutionarily distant species; this suggests that this variant may not impact the protein. Additional computational prediction tools do not suggest an impact. In summary, data on this variant is insufficient for disease classification. Therefore, the clinical significance of this variant is uncertain.

Genetic Services Laboratory, University of Chicago
Classification: Uncertain significance. Last evaluated: 2020-11-02. Review status: criteria provided, single submitter. Criteria: ACMG Guidelines, 2015. Collection method: clinical testing. Allele origin: germline. Affected: no.
Comment: DNA sequence analysis of the FANCA gene demonstrated a sequence change, c.3157C>T, in exon 32 that results in an amino acid change, p.Arg1053Cys. This sequence change does not appear to have been previously described in patients with FANCA-related disorders and has been described in the gnomAD database with a low population frequency of 0.087% in the Latino subpopulation (dbSNP rs376103033). The p.Arg1053Cys change affects a poorly conserved amino acid residue located in a domain of the FANCA protein that is not known to be functional. The p.Arg1053Cys substitution appears to be benign using several in-silico pathogenicity prediction tools (SIFT, PolyPhen2, Align GVGD, REVEL). Due to these evidences and the lack of functional studies, the clinical significance of the p.Arg1053Cys change remains unknown at this time.

Mayo Clinic Laboratories, Mayo Clinic
Classification: Uncertain significance. Last evaluated: 2019-08-01. Review status: criteria provided, single submitter. Criteria: ACMG Guidelines, 2015. Collection method: clinical testing. Allele origin: germline. Observed: 1 variant allele.

Natera, Inc.
Classification: Uncertain significance for Fanconi anemia, group A. Last evaluated: 2020-09-16. Review status: no assertion criteria provided. Collection method: clinical testing. Allele origin: germline. Not counted in ClinVar's aggregate classification.

Literature cited by the submitters: PubMed 28678401 (cited by Quest Diagnostics Nichols Institute San Juan Capistrano and Women's Health and Genetics/Laboratory Corporation of America, LabCorp); PubMed 32546565 (cited by Quest Diagnostics Nichols Institute San Juan Capistrano); PubMed 26580448 (cited by Quest Diagnostics Nichols Institute San Juan Capistrano).

NM_000135.4(FANCA):c.3157C>T (p.Arg1053Cys)

Gene: FANCA (FA complementation group A; minus strand). Cytogenetic location: 16q24.3.
Variant type: single nucleotide variant.
Coding change: c.3157C>T on transcript NM_000135.4 (MANE Select); coding-DNA position 3157, C replaced by T.
Protein change: p.Arg1053Cys; replaces arginine 1053 with cysteine.
Molecular consequence: missense variant.
Genome position (GRCh38, 1-based): chr16:89,749,812, G>A on the plus strand (C>T on the coding strand, the complement: FANCA is on the minus strand). VCF-style: chr16-89749812-G-A. GRCh37 (hg19) VCF-style: chr16-89816220-G-A.
Other names: c.3157C>T (NM_000135.3, LRG_495t1); c.3157C>T, p.Arg1053Cys (NM_001286167.3); short protein forms R1053C.
Identifiers: ClinVar variation 408205 (VCV000408205.27), dbSNP rs376103033, ClinGen allele CA8251319.